The following is an entry in ClinVar:

ClinVar aggregate classification (germline): Uncertain significance (0 of 4 stars; one submission).

Conditions:
Breast ductal adenocarcinoma. Also called: Ductal breast carcinoma; Breast cancer, invasive ductal. Identifiers: MedGen C1527349, MONDO:0005590.

Submission:

Next Generation Diagnostics, Novartis Institutes for BioMedical Research, Inc.
Classification: Uncertain significance for Breast ductal adenocarcinoma. Last evaluated: 2015-07-20. Review status: no assertion criteria provided. Collection method: research. Allele origin: somatic. Affected: yes.
Comment: Loss of heterozygosity

chr19:19230868-24115369 complex variant

Genes: ATP13A1 (ATPase 13A1; minus strand), BORCS8 (BLOC-1 related complex subunit 8; minus strand), CILP2 (cartilage intermediate layer protein 2; plus strand), GATAD2A (GATA zinc finger domain containing 2A; plus strand), GMIP (GEM interacting protein; minus strand) and 46 more. Cytogenetic location: 19p13.11-12.
Variant type: Complex.
Identifiers: ClinVar variation 221350 (VCV000221350.2).